The following is an entry in ClinVar:

NC_000012.12:g.(?_132624697)_(132649899_?)dup

Gene: POLE (DNA polymerase epsilon, catalytic subunit; minus strand). Cytogenetic location: 12q24.33.
Variant type: Duplication.
Identifiers: ClinVar variation 832584 (VCV000832584.5).

ClinVar aggregate classification (germline): Uncertain significance (1 of 4 stars; one submission).

Submission:

Labcorp Genetics (formerly Invitae), Labcorp
Classification: Uncertain significance. Last evaluated: 2023-07-25. Review status: criteria provided, single submitter. Criteria: Invitae Variant Classification Sherloc (09022015). Collection method: clinical testing. Allele origin: germline.
Comment: In summary, the available evidence is currently insufficient to determine the role of this variant in disease. Therefore, it has been classified as a Variant of Uncertain Significance. This variant has not been reported in the literature in individuals affected with POLE-related conditions. This variant results in a copy number gain of the genomic region encompassing exon(s) 30-49 of the POLE gene. This region includes the termination codon of the gene. This copy number gain extends beyond the assayed region for this gene and therefore may encompass additional genes. As the precise location of this event is unknown, it may be in tandem or it may be located elsewhere in the genome.